The following is an entry in ClinVar:

NM_005477.3(HCN4):c.*708A>G

Gene: HCN4 (hyperpolarization activated cyclic nucleotide gated potassium channel 4; minus strand). Cytogenetic location: 15q24.1.
Variant type: single nucleotide variant.
Coding change: c.*708A>G on transcript NM_005477.3 (MANE Select); 708 bases downstream of the stop codon, A replaced by G.
Molecular consequence: 3 prime UTR variant.
Genome position (GRCh38, 1-based): chr15:73,321,773, T>C on the plus strand (A>G on the coding strand, the complement: HCN4 is on the minus strand). VCF-style: chr15-73321773-T-C. GRCh37 (hg19) VCF-style: chr15-73614114-T-C.
Identifiers: ClinVar variation 884688 (VCV000884688.5), dbSNP rs2623999, ClinGen allele CA14086081.
Genomic context (GRCh38, chr15:73,321,773, plus strand): 5'-GGGTCCTCTTCCCTGAGGACTGGAGAGAGAACGTCCCTAGACCATGCAGTGCACAGCCTG[T>C]GGGCCAAGGCGGGTTGCTGGGTGTAAGGTGACCTGGGCATCCTGTCAACATGGGATTAAA-3'

ClinVar aggregate classification (germline): Benign. Review status: criteria provided, multiple submitters, no conflicts (2 of 4 stars). 2 submissions from 2 submitters: Benign (2). Last evaluated 2018-01-13.

Conditions:
Sick sinus syndrome 2, autosomal dominant (SSS2). Also called: SICK SINUS SYNDROME 2; SICK SINUS SYNDROME 2 WITH OR WITHOUT CARDIAC NONCOMPACTION AND/OR ASCENDING AORTA DILATION; ATRIAL FIBRILLATION WITH BRADYARRHYTHMIA; SINUS BRADYCARDIA SYNDROME, FAMILIAL, AUTOSOMAL DOMINANT; SINUS NODE DISEASE, FAMILIAL, AUTOSOMAL DOMINANT. Identifiers: Orphanet 166282, MedGen C1834144, MONDO:0008102, OMIM 163800.

Allele frequency attached by ClinVar (database versions not stated): 1000 Genomes Project 30x 0.79279; 1000 Genomes Project 0.79413; TOPMed 0.81896; gnomAD 0.82454 and 0.82837; gnomAD exomes 0.91134.
gnomAD v4.1: 127,325 of 153,422 alleles (83%); highest among the groups gnomAD compares: Non-Finnish European, 93%; 54,703 homozygotes.

Submissions (2):

Illumina Laboratory Services, Illumina
Classification: Benign for Sick sinus syndrome 2, autosomal dominant. Last evaluated: 2018-01-13. Review status: criteria provided, single submitter. Criteria: ICSL Variant Classification Criteria 13 December 2019. Collection method: clinical testing. Allele origin: germline.
Comment: This variant was observed in the ICSL laboratory as part of a predisposition screen in an ostensibly healthy population. It had not been previously curated by ICSL or reported in the Human Gene Mutation Database (HGMD: prior to June 1st, 2018), and was therefore a candidate for classification through an automated scoring system. Utilizing variant allele frequency, disease prevalence and penetrance estimates, and inheritance mode, an automated score was calculated to assess if this variant is too frequent to cause the disease. Based on the score and internal cut-off values, a variant classified as benign is not then subjected to further curation. The score for this variant resulted in a classification of benign for this disease.

Breakthrough Genomics
Classification: Benign. Review status: criteria provided, single submitter. Criteria: ACMG Guidelines, 2015. Collection method: not provided. Allele origin: germline. Inheritance: Autosomal dominant inheritance. Affected: yes.